The following is an entry in ClinVar:

NM_001182.5(ALDH7A1):c.984del (p.Arg329fs)

Gene: ALDH7A1 (aldehyde dehydrogenase 7 family member A1; minus strand). Cytogenetic location: 5q23.2.
Variant type: Deletion.
Coding change: c.984del on transcript NM_001182.5 (MANE Select); coding-DNA position 984, one base deleted (G; older notation c.984delG).
Protein change: p.Arg329fs; shifts the reading frame from arginine 329.
Molecular consequence: frameshift variant.
Genome position (GRCh38, 1-based): chr5:126,559,264, C deleted on the plus strand (G on the coding strand, the reverse complement: ALDH7A1 is on the minus strand). VCF-style (leftmost placement, unchanged base first): chr5-126559263-TC-T. GRCh37 (hg19) VCF-style: chr5-125894955-TC-T.
Other names: c.900del, p.Arg301fs (NM_001201377.2); c.984del, p.Arg329fs (NM_001202404.2); short protein forms R301fs, R329fs.
Identifiers: ClinVar variation 1696912 (VCV001696912.3), dbSNP rs1275490470, ClinGen allele CA562233938.
Genomic context (GRCh38, chr5:126,559,263, plus strand): 5'-AAGAGCAAGACAATCGGGCCTATGCAGATATACTCACCAGTCGCCTCGCAGTGGTACACC[TC>T]TGGCCAGCTGTTCCCACAGCAGCGAAGAGAGCTGATGGAACAACTAAGCTGAGGTCTGCA-3'

ClinVar aggregate classification (germline): Pathogenic. Review status: criteria provided, multiple submitters, no conflicts (2 of 4 stars). 2 submissions from 2 submitters: Pathogenic (2). Last evaluated 2023-12-15.

Conditions:
Pyridoxine-dependent epilepsy (EPEO4). Also called: EPILEPSY, EARLY-ONSET, 4, VITAMIN B6-DEPENDENT; PYRIDOXINE DEPENDENCY WITH SEIZURES; Pyridoxine-Dependent Seizures; Pyridoxine-Dependent Epilepsy - ALDH7A1. Identifiers: Orphanet 3006, MedGen C1849508, MONDO:0009945, OMIM 266100. Disease mechanism: loss of function.

Allele frequency attached by ClinVar (database versions not stated): gnomAD exomes below 0.00001; TOPMed 0.00002; gnomAD 0.00001.

Submissions (2):

Labcorp Genetics (formerly Invitae), Labcorp
Classification: Pathogenic for Pyridoxine-dependent epilepsy. Last evaluated: 2023-12-15. Review status: criteria provided, single submitter. Criteria: Invitae Variant Classification Sherloc (09022015). Collection method: clinical testing. Allele origin: germline.
Comment: This sequence change creates a premature translational stop signal (p.Arg329Glyfs*19) in the ALDH7A1 gene. It is expected to result in an absent or disrupted protein product. Loss-of-function variants in ALDH7A1 are known to be pathogenic (PMID: 16491085, 20554659). This variant is present in population databases (no rsID available, gnomAD 0.01%). This premature translational stop signal has been observed in individual(s) with clinical features of ALDH7A1-related disorders (PMID: 29655203). ClinVar contains an entry for this variant (Variation ID: 1696912). For these reasons, this variant has been classified as Pathogenic.

GeneDx
Classification: Pathogenic. Last evaluated: 2022-07-13. Review status: criteria provided, single submitter. Criteria: GeneDx Variant Classification Process June 2021. Collection method: clinical testing. Allele origin: germline. Affected: yes.
Comment: Observed in a patient with epilepsy who harbored a second pathogenic ALDH7A1 variant (Lindy et al., 2018); Frameshift variant predicted to result in protein truncation or nonsense mediated decay in a gene for which loss-of-function is a known mechanism of disease; Not observed at significant frequency in large population cohorts (gnomAD); This variant is associated with the following publications: (PMID: 29655203)

Literature cited by the submitters: PubMed 16491085 (cited by Labcorp Genetics (formerly Invitae), Labcorp); PubMed 20554659 (cited by Labcorp Genetics (formerly Invitae), Labcorp); PubMed 29655203 (cited by Labcorp Genetics (formerly Invitae), Labcorp).